The following is an entry in ClinVar:

ClinVar aggregate classification (germline): Conflicting classifications of pathogenicity. Review status: criteria provided, conflicting classifications (1 of 4 stars). 6 submissions from 6 submitters: Uncertain significance (5); Likely benign (1). Last evaluated 2026-04-01.

Conditions:
Long QT syndrome (LQTS). Identifiers: MedGen C0023976, MeSH D008133, MONDO:0002442. Disease mechanism: loss of function. Inheritance: Various modes of inheritance.
Cardiovascular phenotype. Identifiers: MedGen CN230736.
Cardiac arrhythmia, ankyrin-B-related. Also called: ANKYRIN-B SYNDROME. Identifiers: Orphanet 101016, Orphanet 768, MedGen C1970119, MONDO:0010958, OMIM 600919.

Allele frequency attached by ClinVar (database versions not stated): gnomAD 0.00001 and 0.00003; gnomAD exomes 0.00001 and 0.00003; TOPMed 0.00002.
gnomAD v4.1: 56 of 1,614,006 alleles (0.0035%); highest among the groups gnomAD compares: Middle Eastern, 0.033%; no homozygotes.

Submissions (6):

CeGaT Center for Human Genetics Tuebingen
Classification: Likely benign. Last evaluated: 2026-04-01. Review status: criteria provided, single submitter. Criteria: CeGaT Center For Human Genetics Tuebingen Variant Classification Criteria Version 2. Collection method: clinical testing. Allele origin: germline. Affected: yes. Observed: 1 variant allele.
Comment: ANK2: BS2

Ambry Genetics
Classification: Uncertain significance for Cardiovascular phenotype. Last evaluated: 2025-02-20. Review status: criteria provided, single submitter. Criteria: Ambry Variant Classification Scheme 2023. Collection method: clinical testing. Allele origin: germline.

Labcorp Genetics (formerly Invitae), Labcorp
Classification: Uncertain significance for Long QT syndrome. Last evaluated: 2025-01-06. Review status: criteria provided, single submitter. Criteria: Invitae Variant Classification Sherloc (09022015). Collection method: clinical testing. Allele origin: germline.
Comment: This sequence change replaces serine, which is neutral and polar, with threonine, which is neutral and polar, at codon 3362 of the ANK2 protein (p.Ser3362Thr). This variant is present in population databases (no rsID available, gnomAD 0.004%). This variant has not been reported in the literature in individuals affected with ANK2-related conditions. ClinVar contains an entry for this variant (Variation ID: 426611). An algorithm developed to predict the effect of missense changes on protein structure and function outputs the following: PolyPhen-2: "Benign". The threonine amino acid residue is found in multiple mammalian species, which suggests that this missense change does not adversely affect protein function. In summary, the available evidence is currently insufficient to determine the role of this variant in disease. Therefore, it has been classified as a Variant of Uncertain Significance.

Blueprint Genetics
Classification: Uncertain significance. Last evaluated: 2024-05-13. Review status: criteria provided, single submitter. Criteria: ACMG Guidelines, 2015. Collection method: clinical testing. Allele origin: germline.

Fulgent Genetics
Classification: Uncertain significance for Cardiac arrhythmia, ankyrin-B-related. Last evaluated: 2021-07-26. Review status: criteria provided, single submitter. Criteria: ACMG Guidelines, 2015. Collection method: clinical testing. Allele origin: unknown.

GeneDx
Classification: Uncertain significance. Last evaluated: 2017-04-11. Review status: criteria provided, single submitter. Criteria: GeneDx Variant Classification (06012015). Collection method: clinical testing. Allele origin: germline. Affected: yes.
Comment: A variant of uncertain significance has been identified in the ANK2 gene. The S3362T variant has not been published as pathogenic or been reported as benign to our knowledge. This variant is not observed in large population cohorts (Lek et al., 2016; 1000 Genomes Consortium et al., 2015; Exome Variant Server). Neverthelees, the S3362T variant is a conservative amino acid substitution, which is not likely to impact secondary protein structure as these residues share similar properties. Additionally, this substitution occurs at a position that is not conserved, and threonine is tolerated at this position in several species. Furthermore, in silico analysis predicts this variant likely does not alter the protein structure/function.

NM_001148.6(ANK2):c.10084T>A (p.Ser3362Thr)

Gene: ANK2 (ankyrin 2; plus strand). Cytogenetic location: 4q26.
Variant type: single nucleotide variant.
Coding change: c.10084T>A on transcript NM_001148.6 (MANE Select); coding-DNA position 10084, T replaced by A.
Protein change: p.Ser3362Thr; replaces serine 3362 with threonine.
Molecular consequence: missense variant. On other transcripts: intron variant (68).
Genome position (GRCh38, 1-based): chr4:113,358,702, T>A. VCF-style: chr4-113358702-T-A. GRCh37 (hg19) VCF-style: chr4-114279858-T-A.
Other names: c.9850T>A, p.Ser3284Thr (NM_001386142.1); c.6484T>A, p.Ser2162Thr (NM_001386166.1); c.10225T>A, p.Ser3409Thr (NM_001386174.1); c.10201T>A, p.Ser3401Thr (NM_001386175.1); c.4412-2121T>A (NM_001386186.2, NM_001386148.2); c.4214-2121T>A (NM_001354269.3); c.4292-2121T>A (NM_001386187.2); c.4253-2121T>A (NM_001386147.1); and 35 more; short protein forms S3362T, S2162T, S3284T, S3401T, S3409T.
Identifiers: ClinVar variation 426611 (VCV000426611.11), dbSNP rs923915013, ClinGen allele CA103817758.